The following is an entry in ClinVar:

ClinVar aggregate classification (germline): Pathogenic. Review status: criteria provided, multiple submitters, no conflicts (2 of 4 stars). 15 submissions from 15 submitters: Pathogenic (12). 3 of the submissions do not count toward it. Last evaluated 2026-08-01.

Conditions:
Gastric cancer. Also called: Malignant tumor of stomach; Stomach cancer. Identifiers: MedGen C0024623, MeSH D013274, MONDO:0001056, OMIM 613659, HP:0012126.
Hereditary cancer-predisposing syndrome. Also called: Hereditary neoplastic syndrome; Hereditary Cancer Syndrome; Neoplastic Syndromes, Hereditary; Tumor predisposition. Identifiers: Orphanet 140162, MedGen C0027672, MeSH D009386, MONDO:0015356.
Ataxia-telangiectasia syndrome (AT). Also called: Ataxia-telangiectasia, complementation group D; Ataxia telangiectasia (A-T); LOUIS-BAR SYNDROME; AT, COMPLEMENTATION GROUP C; ATAXIA-TELANGIECTASIA, COMPLEMENTATION GROUP A; ATAXIA-TELANGIECTASIA, FRESNO VARIANT. Identifiers: Orphanet 100, MedGen C0004135, MONDO:0008840, OMIM 208900.
Familial cancer of breast. Also called: Hereditary breast cancer; BREAST CANCER, FAMILIAL; hereditary breast carcinoma. Identifiers: Orphanet 227535, MedGen C0346153, MONDO:0016419, OMIM 114480. Disease mechanism: loss of function.
Malignant tumor of breast. Also called: Malignant breast neoplasm; Cancer breast. Identifiers: MedGen C0006142, MONDO:0007254. Disease mechanism: loss of function.

gnomAD v4.1: 8 of 1,613,400 alleles (0.0005%); highest among the groups gnomAD compares: East Asian, 0.0022%; no homozygotes.

Submissions (15):

CeGaT Center for Human Genetics Tuebingen
Classification: Pathogenic. Last evaluated: 2026-08-01. Review status: criteria provided, single submitter. Criteria: CeGaT Center For Human Genetics Tuebingen Variant Classification Criteria Version 2. Collection method: clinical testing. Allele origin: germline. Affected: yes. Observed: 3 variant alleles.
Comment: ATM: PVS1, PS4:Moderate, PM2:Supporting

Labcorp Genetics (formerly Invitae), Labcorp
Classification: Pathogenic for Ataxia-telangiectasia syndrome. Last evaluated: 2025-12-29. Review status: criteria provided, single submitter. Criteria: Invitae Variant Classification Sherloc (09022015). Collection method: clinical testing. Allele origin: germline.
Comment: This sequence change creates a premature translational stop signal (p.Arg1466*) in the ATM gene. It is expected to result in an absent or disrupted protein product. Loss-of-function variants in ATM are known to be pathogenic (PMID: 23807571, 25614872). This variant is present in population databases (rs730881369, gnomAD 0.007%). This premature translational stop signal has been observed in individual(s) with ataxia-telangiectasia (PMID: 10425038, 12552559, 19691550, 22213089, 22527104, 26439923). In at least one individual the data is consistent with being in trans (on the opposite chromosome) from a pathogenic variant. ClinVar contains an entry for this variant (Variation ID: 236716). RNA analysis performed to evaluate the impact of this premature translational stop signal on mRNA splicing indicates it does not significantly alter splicing (internal data). For these reasons, this variant has been classified as Pathogenic.

GeneDx
Classification: Pathogenic. Last evaluated: 2025-04-22. Review status: criteria provided, single submitter. Criteria: GeneDx Variant Classification Process June 2021. Collection method: clinical testing. Allele origin: germline. Affected: yes.
Comment: Observed in the heterozygous state in an individual with a personal and family history of breast cancer (PMID: 22527104); Not observed at significant frequency in large population cohorts (gnomAD); Truncating variants in this gene are considered pathogenic by a well-established clinical consortium and/or database; Nonsense variant predicted to result in protein truncation or nonsense mediated decay in a gene for which loss of function is a known mechanism of disease; This variant is associated with the following publications: (PMID: 34797032, 36305856, 10425038, 12552559, 26439923, 18431795, 19691550, 11857346, 22213089, 25525159, 22527104, 32885271, 29922827, 34326862)

Molecular Pathology, Peter Maccallum Cancer Centre
Classification: Pathogenic for Ataxia-telangiectasia syndrome. Last evaluated: 2024-07-22. Review status: criteria provided, single submitter. Criteria: ACMG Guidelines, 2015. Collection method: clinical testing. Allele origin: germline. Inheritance: Autosomal recessive inheritance.

Color Diagnostics, LLC DBA Color Health
Classification: Pathogenic for Hereditary cancer-predisposing syndrome. Last evaluated: 2024-05-06. Review status: criteria provided, single submitter. Criteria: ACMG Guidelines, 2015. Collection method: clinical testing. Allele origin: germline.
Comment: This variant changes 1 nucleotide in exon 29/63 of the ATM gene, creating a premature translation stop signal. This variant is expected to result in an absent or non-functional protein product. This variant has been reported in two individuals affected with familial breast cancer (PMID: 22527104, 27779110). This variant has also been observed in individuals affected with autosomal recessive Wilson disease, with a number of individuals confirmed to carry this variant in homozygosity or compound heterozygosity, indicating that this variant contributes to disease (PMID: 10425038, 12552559, 17910737, 19691550, 22213089, 26439923). This variant has been identified in 4/251064 chromosomes in the general population by the Genome Aggregation Database (gnomAD). Loss of ATM function is a known mechanism of disease. Based on the available evidence, this variant is classified as Pathogenic.

Ambry Genetics
Classification: Pathogenic for Hereditary cancer-predisposing syndrome. Last evaluated: 2024-02-01. Review status: criteria provided, single submitter. Criteria: Ambry Variant Classification Scheme 2023. Collection method: clinical testing. Allele origin: germline.
Comment: The p.R1466* pathogenic mutation (also known as c.4396C>T), located in coding exon 28 of the ATM gene, results from a C to T substitution at nucleotide position 4396. This changes the amino acid from an arginine to a stop codon within coding exon 28. This pathogenic mutation has been observed in numerous individuals with ataxia-telangiectasia (Castellv&iacute;-Bel S et al. Hum. Mutat. 1999;14:156-62; Buzin CH et al. Hum. Mutat. 2003 Feb;21:123-31; Cavalieri S et al. Ann. Hum. Genet. 2008 Jan;72:10-8; Chessa L et al. Ann. Hum. Genet. 2009 Sep;73:532-9; Verhagen MM et al. Hum. Mutat., 2012 Mar;33:561-71; Chen Z et al. PLoS ONE, 2015 Oct;10:e0139738). In addition to the clinical data presented in the literature, this alteration is expected to result in loss of function by premature protein truncation or nonsense-mediated mRNA decay. As such, this alteration is interpreted as a disease-causing mutation.

Myriad Genetics, Inc.
Classification: Pathogenic for Familial cancer of breast. Last evaluated: 2024-01-24. Review status: criteria provided, single submitter. Criteria: Myriad Autosomal Dominant, Autosomal Recessive and X-Linked Classification Criteria (2023). Collection method: clinical testing. Allele origin: unknown.
Comment: This variant is considered pathogenic. This variant creates a termination codon and is predicted to result in premature protein truncation.

Baylor Genetics
Classification: Pathogenic for Familial cancer of breast. Last evaluated: 2023-12-11. Review status: criteria provided, single submitter. Criteria: ACMG Guidelines, 2015. Collection method: clinical testing. Allele origin: unknown.

Quest Diagnostics Nichols Institute San Juan Capistrano
Classification: Pathogenic. Last evaluated: 2021-07-13. Review status: criteria provided, single submitter. Criteria: Quest Diagnostics criteria. Collection method: clinical testing. Allele origin: unknown.
Comment: This nonsense variant causes the premature termination of ATM protein synthesis. In addition, it has been reported in individuals affected with ataxia-telangiectasia in the published literature (PMIDs: 26439923 (2015), 22527104 (2012), 22213089 (2011), 19691550 (2009), 12552559 (2003), and 10425038 (1999)). Based on the available information, this variant is classified as pathogenic.

Fulgent Genetics
Classification: Pathogenic for Familial cancer of breast; Ataxia-telangiectasia syndrome. Last evaluated: 2018-10-31. Review status: criteria provided, single submitter. Criteria: ACMG Guidelines, 2015. Collection method: clinical testing. Allele origin: unknown.

Mendelics
Classification: Pathogenic for Ataxia-telangiectasia syndrome. Last evaluated: 2018-07-02. Review status: criteria provided, single submitter. Criteria: Mendelics Assertion Criteria 2017. Collection method: clinical testing. Allele origin: unknown.

Women's Health and Genetics/Laboratory Corporation of America, LabCorp
Classification: Pathogenic for Ataxia-telangiectasia syndrome. Last evaluated: 2016-01-22. Review status: criteria provided, single submitter. Criteria: LabCorp Variant Classification Summary - May 2015. Collection method: clinical testing. Allele origin: germline.

Laboratory for Genotyping Development, RIKEN
Classification: Pathogenic for Gastric cancer. Last evaluated: 2021-07-01. Review status: no assertion criteria provided. Collection method: research. Allele origin: germline. Not counted in ClinVar's aggregate classification.

Counsyl
Classification: Pathogenic for Ataxia-telangiectasia syndrome. Last evaluated: 2017-11-19. Review status: no assertion criteria provided. Collection method: clinical testing. Allele origin: unknown. Not counted in ClinVar's aggregate classification.

Department of Pathology and Laboratory Medicine, Sinai Health System
Classification: Pathogenic for Malignant tumor of breast. Review status: no assertion criteria provided. Collection method: clinical testing. Allele origin: unknown. Affected: yes. Observed: 1 variant allele. Study: The Canadian Open Genetics Repository (COGR). Not counted in ClinVar's aggregate classification.
Comment: The ATM p.Arg1466* variant was identified in 10 of 1670 proband chromosomes (frequency: 0.006) from individuals or families with ataxia-telangiectasia or breast cancer (Buzin 2003, Castellvâˆšâ‰  Bel 1999, Chen 2015, Chessa 2009, Eliade 2017, Verhagen 2011). The variant was also identified in dbSNP (ID: rs730881369) as "With Pathogenic, Uncertain significance allele", ClinVar (classified as pathogenic by Invitae, Ambry Genetics, GeneDx and four other submitters), and in LOVD 3.0 (2x). The variant was identified in control databases in 4 of 245856 chromosomes at a frequency of 0.00002 (Genome Aggregation Database Feb 27, 2017). The variant was observed in the following populations: Latino in 1 of 33544 chromosomes (freq: 0.00003), European in 1 of 111498 chromosomes (freq: 0.000009), and South Asian in 2 of 30750 chromosomes (freq: 0.00007); it was not observed in the African, Other, Ashkenazi Jewish, East Asian, or Finnish populations. The c.4396C>T variant leads to a premature stop codon at position 1466, which is predicted to lead to a truncated or absent protein and loss of function. Loss of function variants of the ATM gene are an established mechanism of disease in ATM-associated cancer susceptibility and is the type of variant expected to cause the disorder. In summary, based on the above information, this variant meets our laboratoryâ€šÃ„Ã´s criteria to be classified as pathogenic.

Literature cited by the submitters: PubMed 23807571 (cited by Labcorp Genetics (formerly Invitae), Labcorp); PubMed 25614872 (cited by Labcorp Genetics (formerly Invitae), Labcorp); PubMed 10425038 (cited by 5 submitters); PubMed 12552559 (cited by 5 submitters); PubMed 19691550 (cited by 6 submitters); PubMed 22213089 (cited by 4 submitters); PubMed 22527104 (cited by 4 submitters); PubMed 26439923 (cited by 4 submitters); PubMed 17910737 (cited by 4 submitters); PubMed 27779110 (cited by Color Diagnostics, LLC DBA Color Health and Ambry Genetics); PubMed 18431795 (cited by Ambry Genetics and Quest Diagnostics Nichols Institute San Juan Capistrano); PubMed 23454770 (cited by Ambry Genetics and Quest Diagnostics Nichols Institute San Juan Capistrano); PubMed 24405665 (cited by Ambry Genetics); PubMed 24935205 (cited by Ambry Genetics and Quest Diagnostics Nichols Institute San Juan Capistrano); PubMed 26846839 (cited by Ambry Genetics); PubMed 32885271 (cited by Quest Diagnostics Nichols Institute San Juan Capistrano); PubMed 25122203 (cited by Quest Diagnostics Nichols Institute San Juan Capistrano and Counsyl); PubMed 36988593 (cited by Laboratory for Genotyping Development, RIKEN).

NM_000051.4(ATM):c.4396C>T (p.Arg1466Ter)

Gene: ATM (ATM serine/threonine kinase; plus strand). Cytogenetic location: 11q22.3.
Variant type: single nucleotide variant.
Coding change: c.4396C>T on transcript NM_000051.4 (MANE Select); coding-DNA position 4396, C replaced by T.
Protein change: p.Arg1466Ter; replaces arginine 1466 with a stop codon.
Molecular consequence: nonsense.
Genome position (GRCh38, 1-based): chr11:108,289,761, C>T. VCF-style: chr11-108289761-C-T. GRCh37 (hg19) VCF-style: chr11-108160488-C-T.
Other names: c.4396C>T, p.Arg1466Ter (NM_001351834.2); short protein forms R1466*.
Identifiers: ClinVar variation 236716 (VCV000236716.81), dbSNP rs730881369, ClinGen allele CA6265441.